The following is an entry in ClinVar:

NM_014251.3(SLC25A13):c.1682dup (p.Val562fs)

Gene: SLC25A13 (solute carrier family 25 member 13; minus strand). Cytogenetic location: 7q21.3.
Variant type: Duplication.
Coding change: c.1682dup on transcript NM_014251.3 (MANE Select); coding-DNA position 1682, one base duplicated (G; older notation c.1682dupG).
Protein change: p.Val562fs; shifts the reading frame from valine 562.
Molecular consequence: frameshift variant. On other transcripts: non-coding transcript variant (1).
Genome position (GRCh38, 1-based): chr7:96,121,907, C duplicated on the plus strand (G on the coding strand, the reverse complement: SLC25A13 is on the minus strand); the first of 2 consecutive C bases (chr7:96,121,907-96,121,908); duplicating either gives the same sequence. VCF-style (leftmost placement, unchanged base first): chr7-96121906-T-TC. GRCh37 (hg19) VCF-style: chr7-95751218-T-TC.
Other names: c.1685dup, p.Val563fs (NM_001160210.2); short protein forms V562fs, V563fs.
Identifiers: ClinVar variation 4815633 (VCV004815633.1).

ClinVar aggregate classification (germline): Likely pathogenic (1 of 4 stars; one submission).

Conditions:
Citrullinemia. Identifiers: Orphanet 187, MedGen C0175683, MONDO:0015991.

Submission:

Natera, Inc.
Classification: Likely pathogenic for Citrullinemia. Last evaluated: 2024-03-14. Review status: criteria provided, single submitter. Criteria: Natera Variant Classification Schema (03/2026). Collection method: clinical testing. Allele origin: germline.
Comment: The c.1682dupG variant in SLC25A13 is a frameshift variant predicted to shift the reading frame beginning at codon 562 and leads to a stop codon 6 codons downstream. This variant is expected to result in nonsense mediated decay, truncation, or a dysfunctional protein product. This variant is rare in the general population with a frequency below the threshold expected for the associated phenotype(s). Given the available evidence, this variant is classified as Likely Pathogenic.